The following is an entry in ClinVar:

ClinVar aggregate classification (germline): Pathogenic (1 of 4 stars; one submission).

Conditions:
Pseudo-Hurler polydystrophy. Also called: ML III; ML III ALPHA/BETA; Type III Mucolipidosis; ML IIIA; Mucolipidosis III Alpha/Beta; MUCOLIPIDOSIS IIIA. Identifiers: Orphanet 423461, Orphanet 577, MedGen C0033788, MONDO:0018931, OMIM 252600.
Mucolipidosis type II. Also called: ML II ALPHA/BETA; Mucolipidosis 2; ML 2; Inclusion cell disease; Leroy Disease; N-acetylglucosamine 1phosphotransferase deficiency. Identifiers: Orphanet 576, MedGen C2673377, MONDO:0009650, OMIM 252500.

Submission:

Labcorp Genetics (formerly Invitae), Labcorp
Classification: Pathogenic for Pseudo-Hurler polydystrophy; Mucolipidosis type II. Last evaluated: 2024-03-29. Review status: criteria provided, single submitter. Criteria: Invitae Variant Classification Sherloc (09022015). Collection method: clinical testing. Allele origin: germline.
Comment: This sequence change creates a premature translational stop signal (p.Phe739Serfs*8) in the GNPTAB gene. It is expected to result in an absent or disrupted protein product. Loss-of-function variants in GNPTAB are known to be pathogenic (PMID: 19617216, 25107912). This variant is not present in population databases (gnomAD no frequency). This variant has not been reported in the literature in individuals affected with GNPTAB-related conditions. ClinVar contains an entry for this variant (Variation ID: 1455221). For these reasons, this variant has been classified as Pathogenic.

Literature cited by the submitters: PubMed 19617216; PubMed 25107912.

NM_024312.5(GNPTAB):c.2216_2217del (p.Phe739fs)

Gene: GNPTAB (N-acetylglucosamine-1-phosphate transferase subunits alpha and beta; minus strand). Cytogenetic location: 12q23.2.
Variant type: Deletion.
Coding change: c.2216_2217del on transcript NM_024312.5 (MANE Select); coding-DNA positions 2216 to 2217, 2 bases deleted (TT; older notation c.2216_2217delTT).
Protein change: p.Phe739fs; shifts the reading frame from phenylalanine 739.
Molecular consequence: frameshift variant.
Genome position (GRCh38, 1-based): chr12:101,764,700-101,764,701, AA deleted on the plus strand (TT on the coding strand, the reverse complement: GNPTAB is on the minus strand); deleting any 2 consecutive bases within chr12:101,764,700-101,764,702 gives the same sequence; the c. name uses the placement nearest the transcript's 3' end. VCF-style (leftmost placement, unchanged base first): chr12-101764699-GAA-G. GRCh37 (hg19) VCF-style: chr12-102158477-GAA-G.
Other names: short protein forms F739fs.
Identifiers: ClinVar variation 1455221 (VCV001455221.6), dbSNP rs2137116846, ClinGen allele CA2559750412.